The following is an entry in ClinVar:

NM_139076.3(ABRAXAS1):c.941A>G (p.Asn314Ser)

Gene: ABRAXAS1 (abraxas 1, BRCA1 A complex subunit; minus strand). Cytogenetic location: 4q21.23.
Variant type: single nucleotide variant.
Coding change: c.941A>G on transcript NM_139076.3 (MANE Select); coding-DNA position 941, A replaced by G.
Protein change: p.Asn314Ser; replaces asparagine 314 with serine.
Molecular consequence: missense variant.
Genome position (GRCh38, 1-based): chr4:83,462,758, T>C on the plus strand (A>G on the coding strand, the complement: ABRAXAS1 is on the minus strand). VCF-style: chr4-83462758-T-C. GRCh37 (hg19) VCF-style: chr4-84383911-T-C.
Other names: c.614A>G, p.Asn205Ser (NM_001345962.2); short protein forms N314S, N205S.
Identifiers: ClinVar variation 496543 (VCV000496543.17), dbSNP rs376489465, ClinGen allele CA2990404.

ClinVar aggregate classification (germline): Conflicting classifications of pathogenicity. Review status: criteria provided, conflicting classifications (1 of 4 stars). 3 submissions from 3 submitters: Uncertain significance (1); Likely benign (2). Last evaluated 2025-12-30.

Allele frequency attached by ClinVar (database versions not stated): gnomAD exomes 0.00003 and 0.00001; ExAC 0.00005; ESP Exome Variant Server 0.00008; TOPMed 0.00008; gnomAD 0.00013 and 0.00014; 1000 Genomes Project 0.00020; 1000 Genomes Project 30x 0.00031.

Submissions (3):

Labcorp Genetics (formerly Invitae), Labcorp
Classification: Uncertain significance. Last evaluated: 2025-12-30. Review status: criteria provided, single submitter. Criteria: Invitae Variant Classification Sherloc (09022015). Collection method: clinical testing. Allele origin: germline.
Comment: This sequence change replaces asparagine, which is neutral and polar, with serine, which is neutral and polar, at codon 314 of the ABRAXAS1 protein (p.Asn314Ser). This variant is present in population databases (rs376489465, gnomAD 0.02%). This variant has not been reported in the literature in individuals affected with ABRAXAS1-related conditions. ClinVar contains an entry for this variant (Variation ID: 496543). Invitae Evidence Modeling of protein sequence and biophysical properties (such as structural, functional, and spatial information, amino acid conservation, physicochemical variation, residue mobility, and thermodynamic stability) indicates that this missense variant is not expected to disrupt ABRAXAS1 protein function with a negative predictive value of 80%. In summary, the available evidence is currently insufficient to determine the role of this variant in disease. Therefore, it has been classified as a Variant of Uncertain Significance.

Women's Health and Genetics/Laboratory Corporation of America, LabCorp
Classification: Likely benign. Last evaluated: 2025-10-10. Review status: criteria provided, single submitter. Criteria: LabCorp Variant Classification Summary - May 2015. Collection method: clinical testing. Allele origin: germline.
Comment: Variant summary: FAM175A c.941A>G (p.Asn314Ser) results in a conservative amino acid change in the encoded protein sequence. Algorithms developed to predict the effect of missense changes on protein structure and function all suggest that this variant is likely to be tolerated. The variant allele was found at a frequency of 2.9e-05 in 1614000 control chromosomes, predominantly at a frequency of 0.00023 within the Latino subpopulation in the gnomAD database (v4.1 dataset), including 1 homozygote. The observed variant frequency within Latino control individuals in the gnomAD database exceeds the estimated maximal expected allele frequency for disease-causing variants in FAM175A. c.941A>G has been in the literature both in cases and controls in large studies evaluating breast cancer cases and controls (e.g. Li_2021, Dorling_2021). These report(s) do not provide unequivocal conclusions about association of the variant with Hereditary Breast And Ovarian Cancer Syndrome. To our knowledge, no experimental evidence demonstrating an impact on protein function has been reported. The following publication have been ascertained in the context of this evaluation (PMID: 34117267, 33471991). ClinVar contains an entry for this variant (Variation ID: 496543). Based on the evidence outlined above, the variant was classified as likely benign.

Ambry Genetics
Classification: Likely benign. Last evaluated: 2024-03-25. Review status: criteria provided, single submitter. Criteria: Ambry Variant Classification Scheme 2023. Collection method: clinical testing. Allele origin: germline.

Literature cited by the submitters: PubMed 33471991 (cited by Women's Health and Genetics/Laboratory Corporation of America, LabCorp); PubMed 34117267 (cited by Women's Health and Genetics/Laboratory Corporation of America, LabCorp).